The following is an entry in ClinVar:

NM_020922.5(WNK3):c.741A>G (p.Pro247=)

Gene: WNK3 (WNK lysine deficient protein kinase 3; minus strand). Cytogenetic location: Xp11.22.
Variant type: single nucleotide variant.
Coding change: c.741A>G on transcript NM_020922.5 (MANE Select); coding-DNA position 741, A replaced by G.
Protein change: p.Pro247=; no amino-acid change (proline 247 retained).
Molecular consequence: synonymous variant.
Genome position (GRCh38, 1-based): chrX:54,309,285, T>C on the plus strand (A>G on the coding strand, the complement: WNK3 is on the minus strand). VCF-style: chrX-54309285-T-C. GRCh37 (hg19) VCF-style: chrX-54335718-T-C.
Other names: c.741A>G, p.Pro247= (NM_001002838.4, NM_001395166.1).
Identifiers: ClinVar variation 5041106 (VCV005041106.1).

ClinVar aggregate classification (germline): Likely benign (1 of 4 stars; one submission).

gnomAD v4.1: 190 of 1,209,140 alleles (0.016%); highest among the groups gnomAD compares: African/African-American, 0.31%; no homozygotes.

Submission:

CeGaT Center for Human Genetics Tuebingen
Classification: Likely benign. Last evaluated: 2026-09-01. Review status: criteria provided, single submitter. Criteria: CeGaT Center For Human Genetics Tuebingen Variant Classification Criteria Version 2. Collection method: clinical testing. Allele origin: germline. Affected: yes. Observed: 1 variant allele.
Comment: WNK3: BP4, BS2